The following is an entry in ClinVar:

NM_024675.4(PALB2):c.298C>T (p.Leu100Phe)

Gene: PALB2 (partner and localizer of BRCA2; minus strand). Cytogenetic location: 16p12.2.
Variant type: single nucleotide variant.
Coding change: c.298C>T on transcript NM_024675.4 (MANE Select); coding-DNA position 298, C replaced by T.
Protein change: p.Leu100Phe; replaces leucine 100 with phenylalanine.
Molecular consequence: missense variant.
Genome position (GRCh38, 1-based): chr16:23,636,248, G>A on the plus strand (C>T on the coding strand, the complement: PALB2 is on the minus strand). VCF-style: chr16-23636248-G-A. GRCh37 (hg19) VCF-style: chr16-23647569-G-A.
Other names: p.L100F:CTT>TTT; short protein forms L100F.
Identifiers: ClinVar variation 126698 (VCV000126698.65), dbSNP rs61756147, ClinGen allele CA288454.

ClinVar aggregate classification (germline): Conflicting classifications of pathogenicity. Review status: criteria provided, conflicting classifications (1 of 4 stars). 18 submissions from 18 submitters: Uncertain significance (5); Likely benign (8). 5 of the submissions do not count toward it. Last evaluated 2026-02-04.

Conditions:
Breast and/or ovarian cancer. Identifiers: MedGen CN221562.
Fanconi anemia complementation group N. Also called: PALB2-Related Fanconi Anemia. Identifiers: Orphanet 84, MedGen C1835817, MONDO:0012565, OMIM 610832. Disease mechanism: loss of function.
Hereditary cancer-predisposing syndrome. Also called: Tumor predisposition; Hereditary neoplastic syndrome; Neoplastic Syndromes, Hereditary; Hereditary Cancer Syndrome. Identifiers: Orphanet 140162, MedGen C0027672, MeSH D009386, MONDO:0015356.
Familial cancer of breast. Also called: hereditary breast carcinoma; Hereditary breast cancer; BREAST CANCER, FAMILIAL. Identifiers: Orphanet 227535, MedGen C0346153, MONDO:0016419, OMIM 114480. Disease mechanism: loss of function.
PALB2-related disorder. Also called: PALB2-related disorders; PALB2-related condition.
Pancreatic cancer, susceptibility to, 3. Identifiers: Orphanet 1333, MedGen C3150547, MONDO:0013236, OMIM 613348.

Allele frequency attached by ClinVar (database versions not stated): 1000 Genomes Project 30x 0.00016; gnomAD exomes 0.00016 and 0.00035; TOPMed 0.00016; 1000 Genomes Project 0.00020; gnomAD 0.00020 and 0.00021; ExAC 0.00022; ESP Exome Variant Server 0.00023.
gnomAD v4.1: 555 of 1,613,770 alleles (0.034%); highest among the groups gnomAD compares: Non-Finnish European, 0.043%; no homozygotes.

Submissions 1 to 17 of 18:

Labcorp Genetics (formerly Invitae), Labcorp
Classification: Likely benign for Familial cancer of breast. Last evaluated: 2026-02-04. Review status: criteria provided, single submitter. Criteria: Invitae Variant Classification Sherloc (09022015). Collection method: clinical testing. Allele origin: germline.

Quest Diagnostics Nichols Institute San Juan Capistrano
Classification: Likely benign. Last evaluated: 2025-11-01. Review status: criteria provided, single submitter. Criteria: Quest Diagnostics criteria. Collection method: clinical testing. Allele origin: unknown.

Women's Health and Genetics/Laboratory Corporation of America, LabCorp
Classification: Likely benign. Last evaluated: 2025-07-29. Review status: criteria provided, single submitter. Criteria: LabCorp Variant Classification Summary - May 2015. Collection method: clinical testing. Allele origin: germline.
Comment: Variant summary: PALB2 c.298C>T (p.Leu100Phe) results in a non-conservative amino acid change in the encoded protein sequence. Algorithms developed to predict the effect of missense changes on protein structure and function are either unavailable or do not agree on the potential impact of this missense change. The variant allele was found at a frequency of 0.00017 in 262164 control chromosomes, predominantly at a frequency of 0.00031 within the Non-Finnish European subpopulation in the gnomAD database. The observed variant frequency within Non-Finnish European control individuals in the gnomAD database is approximately 2 fold of the estimated maximal expected allele frequency for a pathogenic variant in PALB2 causing Hereditary Breast And Ovarian Cancer Syndrome phenotype (0.00016). In addition, this variant has been also reported in 3/7325 European American women who were older than age 70 years and cancer free (in the FLOSSIES database). c.298C>T has been reported in individuals affected with different types of cancer (Wong 2011, Haiman 2013, Hartley 2014, Tung 2014, Grant 2015, Ramus 2015, Lu 2015, Shindo 2017, Seligson_2019), but was also found in healthy controls (Thompson 2015, Ramus 2015). These reports do not provide unequivocal conclusions about association of the variant with Hereditary Breast And Ovarian Cancer Syndrome. Co-occurrences with other pathogenic variant(s) have been reported (BRCA1 c.5266dupC, p.Gln1756Profs*74). To our knowledge, no experimental evidence demonstrating an impact on protein function has been reported. The following publications have been ascertained in the context of this evaluation (PMID: 23555315, 26283626, 26315354, 21409391, 25225577, 25479140, 25186627, 26689913, 28767289, 30541756, 35263119). ClinVar contains an entry for this variant (Variation ID: 126698). Based on the evidence outlined above, the variant was classified as likely benign.

Myriad Genetics, Inc.
Classification: Likely benign for Familial cancer of breast. Last evaluated: 2025-01-10. Review status: criteria provided, single submitter. Criteria: Myriad Autosomal Dominant, Autosomal Recessive and X-Linked Classification Criteria (2023). Collection method: clinical testing. Allele origin: unknown.
Comment: This variant is considered likely benign. This variant is strongly associated with less severe personal and family histories of cancer, typical for individuals without pathogenic variants in this gene [PMID: 25085752].

Blueprint Genetics
Classification: Likely benign. Last evaluated: 2024-11-19. Review status: criteria provided, single submitter. Criteria: ACMG Guidelines, 2015. Collection method: clinical testing. Allele origin: germline.

GeneDx
Classification: Uncertain significance. Last evaluated: 2023-10-04. Review status: criteria provided, single submitter. Criteria: GeneDx Variant Classification Process June 2021. Collection method: clinical testing. Allele origin: germline. Affected: yes.
Comment: Not found to have a statistically significant association with breast cancer risk in a multi-ethnic exome array study (Haiman et al., 2013); In silico analysis supports that this missense variant does not alter protein structure/function; This variant is associated with the following publications: (PMID: 24448499, 25479140, 26283626, 21409391, 26315354, 25225577, 25186627, 26976419, 27060149, 26689913, 28767289, 28779002, 32659497, 32546565, 28259476, 35263119, 30541756, 28873162, 32885271, 33471991, 20871615, 19369211, 23555315, 34326862)

CHEO Genetics Diagnostic Laboratory, Children's Hospital of Eastern Ontario
Classification: Uncertain significance for Breast and/or ovarian cancer. Last evaluated: 2022-12-21. Review status: criteria provided, single submitter. Criteria: ACMG Guidelines, 2015. Collection method: clinical testing. Allele origin: germline.

Ambry Genetics
Classification: Likely benign for Hereditary cancer-predisposing syndrome. Last evaluated: 2022-09-26. Review status: criteria provided, single submitter. Criteria: Ambry Variant Classification Scheme 2023. Collection method: clinical testing. Allele origin: germline.

Sema4
Classification: Likely benign for Hereditary cancer-predisposing syndrome. Last evaluated: 2021-05-08. Review status: criteria provided, single submitter. Criteria: Sema4 Curation Guidelines. Collection method: curation. Allele origin: germline.

Color Diagnostics, LLC DBA Color Health
Classification: Likely benign for Hereditary cancer-predisposing syndrome. Last evaluated: 2020-12-10. Review status: criteria provided, single submitter. Criteria: ACMG Guidelines, 2015. Collection method: clinical testing. Allele origin: germline.

Mendelics
Classification: Uncertain significance for Familial cancer of breast. Last evaluated: 2019-05-28. Review status: criteria provided, single submitter. Criteria: Mendelics Assertion Criteria 2017. Collection method: clinical testing. Allele origin: unknown.

Illumina Laboratory Services, Illumina
Classification: Uncertain significance for Fanconi anemia complementation group N. Last evaluated: 2017-04-28. Review status: criteria provided, single submitter. Criteria: ICSL Variant Classification Criteria 13 December 2019. Collection method: clinical testing. Allele origin: germline.

Cancer Genetics Laboratory, Peter MacCallum Cancer Centre
Classification: Uncertain significance for Familial cancer of breast. Last evaluated: 2015-06-01. Review status: criteria provided, single submitter. Criteria: Thompson et al. (Breast Cancer Res. 2015). Collection method: case-control. Allele origin: germline. Affected: no. Observed: 2 variant alleles, 2 heterozygotes.

PreventionGenetics, part of Exact Sciences
Classification: Uncertain significance for PALB2-related condition. Last evaluated: 2024-03-05. Review status: no assertion criteria provided. Collection method: clinical testing. Allele origin: germline. Not counted in ClinVar's aggregate classification.
Comment: The PALB2 c.298C>T variant is predicted to result in the amino acid substitution p.Leu100Phe. This variant has been detected in patients with breast and ovarian cancer (Wong et al. 2011. PubMed ID: 21409391; Tung et al. 2016. PubMed ID: 26976419, Table A2; Hartley et al. 2014. PubMed ID: 25225577, Table S4; Ramus et al. 2015. PubMed ID: 26315354 Sup. Table 4; Kanchi et al. 2014. PubMed ID: 24448499, sup data 8) and pancreatic cancer (Shindo et al. 2017. PubMed ID: 28767289, referred to as c.298G>A; Grant et al. 2015. PubMed ID: 25479140, Sup. Table 1). However, it was detected in an equal number of cases and controls (2) in one of these studies (Ramus et al. 2015. PubMed ID: 26315354 Sup. Table 4). This variant is documented in the gnomAD general population database with a minor allele frequency of ~0.03% among non-Finnish Europeans and has conflicting interpretations in ClinVar ranging from benign to uncertain. At this time, the clinical significance of this variant is uncertain due to the absence of conclusive functional and genetic evidence.

Institute for Biomarker Research, Medical Diagnostic Laboratories, L.L.C.
Classification: Benign for Hereditary cancer-predisposing syndrome. Last evaluated: 2022-03-10. Review status: no assertion criteria provided. Collection method: clinical testing. Allele origin: germline. Not counted in ClinVar's aggregate classification.

Leiden Open Variation Database
Classification: Uncertain significance. Last evaluated: 2019-05-13. Review status: no assertion criteria provided. Collection method: curation. Allele origin: germline. Affected: yes. Not counted in ClinVar's aggregate classification.
Comment: Curators: Marc Tischkowitz, Arleen D. Auerbach. Submitters to LOVD: Marc Tischkowitz, Melissa DeRycke.

True Health Diagnostics
Classification: Likely benign for Hereditary cancer-predisposing syndrome. Last evaluated: 2018-06-18. Review status: no assertion criteria provided. Collection method: clinical testing. Allele origin: germline. Not counted in ClinVar's aggregate classification.